The following is an entry in ClinVar:

NM_004211.5(SLC6A5):c.2305C>T (p.Arg769Cys)

Gene: SLC6A5 (solute carrier family 6 member 5; plus strand). Cytogenetic location: 11p15.1.
Variant type: single nucleotide variant.
Coding change: c.2305C>T on transcript NM_004211.5 (MANE Select); coding-DNA position 2305, C replaced by T.
Protein change: p.Arg769Cys; replaces arginine 769 with cysteine.
Molecular consequence: missense variant.
Genome position (GRCh38, 1-based): chr11:20,654,779, C>T. VCF-style: chr11-20654779-C-T. GRCh37 (hg19) VCF-style: chr11-20676325-C-T.
Other names: c.1603C>T, p.Arg535Cys (NM_001318369.2); short protein forms R769C, R535C.
Identifiers: ClinVar variation 1382245 (VCV001382245.6), dbSNP rs756851276, ClinGen allele CA5921766.

ClinVar aggregate classification (germline): Uncertain significance (1 of 4 stars; one submission).

Conditions:
Hyperekplexia 3 (HKPX3). Also called: HYPEREKPLEXIA 3, AUTOSOMAL RECESSIVE; HYPEREKPLEXIA 3, AUTOSOMAL DOMINANT. Identifiers: Orphanet 3197, MedGen C3553288, MONDO:0013827, OMIM 614618.

Allele frequency attached by ClinVar (database versions not stated): gnomAD exomes 0.00004; ExAC 0.00005.
gnomAD v4.1: 54 of 1,613,926 alleles (0.0033%); highest among the groups gnomAD compares: Admixed American, 0.01%; no homozygotes.

Submission:

Labcorp Genetics (formerly Invitae), Labcorp
Classification: Uncertain significance for Hyperekplexia 3. Last evaluated: 2024-12-02. Review status: criteria provided, single submitter. Criteria: Invitae Variant Classification Sherloc (09022015). Collection method: clinical testing. Allele origin: germline.
Comment: This sequence change replaces arginine, which is basic and polar, with cysteine, which is neutral and slightly polar, at codon 769 of the SLC6A5 protein (p.Arg769Cys). The frequency data for this variant in the population databases is considered unreliable, as metrics indicate poor data quality at this position in the gnomAD database. This variant has not been reported in the literature in individuals affected with SLC6A5-related conditions. ClinVar contains an entry for this variant (Variation ID: 1382245). Invitae Evidence Modeling of protein sequence and biophysical properties (such as structural, functional, and spatial information, amino acid conservation, physicochemical variation, residue mobility, and thermodynamic stability) has been performed for this missense variant. However, the output from this modeling did not meet the statistical confidence thresholds required to predict the impact of this variant on SLC6A5 protein function. In summary, the available evidence is currently insufficient to determine the role of this variant in disease. Therefore, it has been classified as a Variant of Uncertain Significance.